The following is an entry in ClinVar:

NM_016252.4(BIRC6):c.11306A>G (p.Gln3769Arg)

Gene: BIRC6 (baculoviral IAP repeat containing 6; plus strand). Cytogenetic location: 2p22.3.
Variant type: single nucleotide variant.
Coding change: c.11306A>G on transcript NM_016252.4 (MANE Select); coding-DNA position 11306, A replaced by G.
Protein change: p.Gln3769Arg; replaces glutamine 3769 with arginine.
Molecular consequence: missense variant.
Genome position (GRCh38, 1-based): chr2:32,515,727, A>G. VCF-style: chr2-32515727-A-G. GRCh37 (hg19) VCF-style: chr2-32740794-A-G.
Other names: c.11303A>G, p.Gln3768Arg (NM_001378125.1); short protein forms Q3769R, Q3768R.
Identifiers: ClinVar variation 2325694 (VCV002325694.3), dbSNP rs946303502, ClinGen allele CA44789258.

ClinVar aggregate classification (germline): Uncertain significance. Review status: criteria provided, single submitter (1 of 4 stars). 2 submissions from 2 submitters: Uncertain significance (1). 1 of the submissions does not count toward it. Last evaluated 2022-11-10.

Conditions:
BIRC6-related disorder. Also called: BIRC6-related condition.

Allele frequency attached by ClinVar (database versions not stated): gnomAD exomes 0.00001; TOPMed 0.00001.
gnomAD v4.1: 5 of 1,600,940 alleles (0.00031%); highest among the groups gnomAD compares: Admixed American, 0.0033%; no homozygotes.

Submissions (2):

Ambry Genetics
Classification: Uncertain significance. Last evaluated: 2022-11-10. Review status: criteria provided, single submitter. Criteria: Ambry Variant Classification Scheme 2023. Collection method: clinical testing. Allele origin: germline.

PreventionGenetics, part of Exact Sciences
Classification: Uncertain significance for BIRC6-related condition. Last evaluated: 2024-07-17. Review status: no assertion criteria provided. Collection method: clinical testing. Allele origin: germline. Not counted in ClinVar's aggregate classification.
Comment: The BIRC6 c.11306A>G variant is predicted to result in the amino acid substitution p.Gln3769Arg. To our knowledge, this variant has not been reported in the literature. This variant is reported in 0.0029% of alleles in individuals of Latino descent in gnomAD. At this time, the clinical significance of this variant is uncertain due to the absence of conclusive functional and genetic evidence.